The following is an entry in ClinVar:

ClinVar aggregate classification (germline): Uncertain significance. Review status: criteria provided, multiple submitters, no conflicts (2 of 4 stars). 3 submissions from 3 submitters: Uncertain significance (3). Last evaluated 2025-07-28.

Conditions:
Inborn genetic diseases. Identifiers: MedGen C0950123, MeSH D030342.

Allele frequency attached by ClinVar (database versions not stated): gnomAD exomes 0.00003; ExAC 0.00006; ESP Exome Variant Server 0.00008; gnomAD 0.00013; TOPMed 0.00023.
gnomAD v4.1: 69 of 1,610,612 alleles (0.0043%); highest among the groups gnomAD compares: Middle Eastern, 0.036%; no homozygotes.

Submissions (3):

Labcorp Genetics (formerly Invitae), Labcorp
Classification: Uncertain significance. Last evaluated: 2025-07-28. Review status: criteria provided, single submitter. Criteria: Invitae Variant Classification Sherloc (09022015). Collection method: clinical testing. Allele origin: germline.
Comment: This sequence change replaces valine, which is neutral and non-polar, with isoleucine, which is neutral and non-polar, at codon 430 of the HDAC4 protein (p.Val430Ile). This variant is present in population databases (rs139180828, gnomAD 0.05%), and has an allele count higher than expected for a pathogenic variant. This variant has not been reported in the literature in individuals affected with HDAC4-related conditions. ClinVar contains an entry for this variant (Variation ID: 2379213). Invitae Evidence Modeling of protein sequence and biophysical properties (such as structural, functional, and spatial information, amino acid conservation, physicochemical variation, residue mobility, and thermodynamic stability) indicates that this missense variant is not expected to disrupt HDAC4 protein function with a negative predictive value of 80%. In summary, the available evidence is currently insufficient to determine the role of this variant in disease. Therefore, it has been classified as a Variant of Uncertain Significance.

CeGaT Center for Human Genetics Tuebingen
Classification: Uncertain significance. Last evaluated: 2025-03-01. Review status: criteria provided, single submitter. Criteria: CeGaT Center For Human Genetics Tuebingen Variant Classification Criteria Version 2. Collection method: clinical testing. Allele origin: germline. Affected: yes. Observed: 1 variant allele.

Ambry Genetics
Classification: Uncertain significance for Inborn genetic diseases. Last evaluated: 2021-08-10. Review status: criteria provided, single submitter. Criteria: Ambry Variant Classification Scheme 2023. Collection method: clinical testing. Allele origin: germline.

NM_001378414.1(HDAC4):c.1288G>A (p.Val430Ile)

Gene: HDAC4 (histone deacetylase 4; minus strand). Cytogenetic location: 2q37.3.
Variant type: single nucleotide variant.
Coding change: c.1288G>A on transcript NM_001378414.1 (MANE Select); coding-DNA position 1288, G replaced by A.
Protein change: p.Val430Ile; replaces valine 430 with isoleucine.
Molecular consequence: missense variant.
Genome position (GRCh38, 1-based): chr2:239,134,251, C>T on the plus strand (G>A on the coding strand, the complement: HDAC4 is on the minus strand). VCF-style: chr2-239134251-C-T. GRCh37 (hg19) VCF-style: chr2-240055947-C-T.
Other names: c.1288G>A, p.Val430Ile (NM_001378415.1, NM_001378416.1, NM_001378417.1 and 1 more transcripts); short protein forms V430I.
Identifiers: ClinVar variation 2379213 (VCV002379213.11), dbSNP rs139180828, ClinGen allele CA2199858.